The following is an entry in ClinVar:

ClinVar aggregate classification (germline): Likely pathogenic. Review status: reviewed by expert panel (3 of 4 stars). 8 submissions from 8 submitters: Likely pathogenic (1). 7 of the submissions do not count toward it. Last evaluated 2024-12-06.

Conditions:
Inborn genetic diseases. Identifiers: MedGen C0950123, MeSH D030342.
Mucopolysaccharidosis type 1. Also called: IDUA deficiency; MPS I; Mucopolysaccharidosis Type I. Identifiers: Orphanet 579, MedGen C0023786, MONDO:0001586.

gnomAD v4.1: 4 of 1,611,776 alleles (0.00025%); highest among the groups gnomAD compares: Admixed American, 0.0033%; no homozygotes.

Submissions (8):

ClinGen Lysosomal Storage Disorder Variant Curation Expert Panel
Classification: Likely pathogenic for Mucopolysaccharidosis type 1. Last evaluated: 2024-12-06. Review status: reviewed by expert panel. Criteria: ClinGen LSD ACMG Specifications IDUA V1.0.0. Collection method: curation. Allele origin: germline. Inheritance: Autosomal recessive inheritance.
Comment: The NM_000203.5:c.1898C>G variant in IDUA is a missense variant predicted to cause substitution of serine by tryptophan at amino acid 633 (p.Ser633Trp). This variant has been detected in at least 4 individuals with MPS I. Of those individuals, one was compound heterozygous for the variant and another variant in IDUA that has been classified as pathogenic for MPS I by the ClinGen LD VCEP, c.208C>T (p.Gln70Ter) (ClinVar Variation ID: 11909) (phase not confirmed, 0.5 points, PMID: 24798265). Three individuals were homozygous for the variant (max 1 point, PMIDs: 24798265, 33389473). Total: 1.5 points (PM3). One of these patients had documented IDUA deficiency within the affected range in dried blood spot and clinical features specific to MPS I including dysostosis multiplex, arthropathy, and corneal involvement (PMID: PMID: 33389473) (PP4). The computational predictor REVEL gives a score of 0.871 which is above the threshold of 0.773 (PP3_Moderate). The highest population minor allele frequency in gnomAD v4.1.0. is 0.00003333 (2/60010 alleles) in the Admixed American population, which is lower than the ClinGen Lysosomal Diseases VCEP’s threshold for PM2_Supporting (<0.00025), meeting this criterion (PM2_Supporting). Another variant at the same amino acid position, p.Ser633Leu, has been reported in individuals with MPS I (PMID: 11735025, 21480867. This variant has not yet been classified by the ClinGen LD VCEP, therefore, PM5 was not applied. There is a ClinVar entry for this variant (Variation ID: 286242). In summary, this variant meets the criteria to be classified as likely pathogenic for MPS I based on the IDUA-specific ACMG/AMP criteria applied, as specified by the ClinGen Lysosomal Diseases Variant Curation Expert Panel (Specifications Version 1.1.0): PM3, PP3_Moderate, PP4, PM2_Supporting. (Classification approved by the ClinGen Lysosomal Diseases Variant Curation Expert Panel on December 6, 2024).

Natera, Inc.
Classification: Likely pathogenic for Mucopolysaccharidosis type I. Last evaluated: 2026-01-12. Review status: criteria provided, single submitter. Criteria: Natera Variant Classification Schema (03/2026). Collection method: clinical testing. Allele origin: germline. Not counted in ClinVar's aggregate classification.
Comment: The c.1898C>G variant in IDUA is a missense variant predicted to cause substitution of serine to tryptophan at amino acid 633. This variant is rare in the general population with a frequency below the threshold expected for the associated phenotype(s). This variant has been observed in one or more individuals affected with the associated recessive disease, as either homozygous or compound heterozygous with a second variant (PMID: 24798265, 33389473). A different variant at the same position has been determined to be Pathogenic or Likely Pathogenic. Computational prediction algorithms indicate this variant is likely to affect gene or protein function. Given the available evidence, this variant is classified as Likely Pathogenic.

Labcorp Genetics (formerly Invitae), Labcorp
Classification: Pathogenic for Mucopolysaccharidosis type 1. Last evaluated: 2026-01-11. Review status: criteria provided, single submitter. Criteria: Invitae Variant Classification Sherloc (09022015). Collection method: clinical testing. Allele origin: germline. Not counted in ClinVar's aggregate classification.
Comment: This sequence change replaces serine, which is neutral and polar, with tryptophan, which is neutral and slightly polar, at codon 633 of the IDUA protein (p.Ser633Trp). This variant is present in population databases (no rsID available, gnomAD 0.003%). This missense change has been observed in individual(s) with mucopolysaccharidosis type I (PMID: 24798265, 33389473). ClinVar contains an entry for this variant (Variation ID: 286242). Invitae Evidence Modeling of protein sequence and biophysical properties (such as structural, functional, and spatial information, amino acid conservation, physicochemical variation, residue mobility, and thermodynamic stability) indicates that this missense variant is expected to disrupt IDUA protein function with a positive predictive value of 95%. This variant disrupts the p.Ser633 amino acid residue in IDUA. Other variant(s) that disrupt this residue have been determined to be pathogenic (PMID: 11735025, 16438163, 21480867, 26825088, 27146977). This suggests that this residue is clinically significant, and that variants that disrupt this residue are likely to be disease-causing. For these reasons, this variant has been classified as Pathogenic.

Revvity Omics, Revvity
Classification: Likely pathogenic. Last evaluated: 2024-03-14. Review status: criteria provided, single submitter. Criteria: ACMG Guidelines, 2015. Collection method: clinical testing. Allele origin: germline. Not counted in ClinVar's aggregate classification.

GeneDx
Classification: Likely pathogenic. Last evaluated: 2022-11-15. Review status: criteria provided, single submitter. Criteria: GeneDx Variant Classification Process June 2021. Collection method: clinical testing. Allele origin: germline. Affected: yes. Not counted in ClinVar's aggregate classification.
Comment: Not observed at significant frequency in large population cohorts (gnomAD); In silico analysis supports that this missense variant has a deleterious effect on protein structure/function; This variant is associated with the following publications: (PMID: 11735025, 24480078, 24798265, 32235807, 33389473)

Broad Center for Mendelian Genomics, Broad Institute of MIT and Harvard
Classification: Likely pathogenic for Mucopolysaccharidosis type 1. Last evaluated: 2020-01-22. Review status: criteria provided, single submitter. Criteria: ACMG Guidelines, 2015. Collection method: curation. Allele origin: germline. Inheritance: Autosomal recessive inheritance. Not counted in ClinVar's aggregate classification.
Comment: The p.Ser633Trp variant in IDUA has been reported in at least 4 individuals with mucopolysaccharidosis (MPS) (PMID: 24798265; doi: 10.1016/j.ymgme.2015.12.397) and has been identified in 0.003% (1/34546) of Latino chromosomes by the Genome Aggregation Database (gnomAD; dbSNP rs886043347). Although this variant has been seen in the general population, its frequency is low enough to be consistent with a recessive carrier frequency. This variant has also been reported in ClinVar as pathogenic by EGL Genetic Diagnostics (Variation ID: 286242). Computational prediction tools and conservation analyses suggest that this variant may impact the protein, though this information is not predictive enough to determine pathogenicity. One additional pathogenic variant, resulting in a different amino acid change at the same position, p.Ser633Leu, has been reported pathogenic in association with disease in the literature and ClinVar, supporting that a change at this position may not be tolerated (PMID: 16438163, 28752568, 11735025, 2448007; VariationID: 556406). The p.Ser633Trp variant is located in a region of IDUA that is important for protein folding and stability, suggesting that this variant is in a functional domain and slightly supports pathogenicity (PMID: 24480078). The phenotype of individuals homozygous and compound heterozygous for this variant is highly specific for MPS based on a-L-Iduronidase activity being <1% of normal, consistent with disease (PMID: 24798265; doi: 10.1016/j.ymgme.2015.12.397). The presence of this variant in at least 3 affected homozygotes and in combination with a reported pathogenic variant in an individual with MPS increases the likelihood that the p.Ser633Trp variant is pathogenic (VariationID: 11908; PMID: 24798265; doi: 10.1016/j.ymgme.2015.12.397). In summary, although additional studies are required to fully establish its clinical significance, this variant is likely pathogenic. ACMG/AMP Criteria applied: PM2, PM5, PM3, PP3, PM1_supporting, PP4 (Richards 2015).

Ambry Genetics
Classification: Pathogenic for Inborn genetic diseases. Last evaluated: 2018-03-12. Review status: criteria provided, single submitter. Criteria: Ambry exome assertion method (8-5-2015). Collection method: clinical testing. Allele origin: germline. Affected: yes. Observed: 1 variant allele. Not counted in ClinVar's aggregate classification.

Eurofins Ntd Llc (ga)
Classification: Pathogenic. Last evaluated: 2016-02-10. Review status: criteria provided, single submitter. Criteria: EGL Classification Definitions 2015. Collection method: clinical testing. Allele origin: germline. Observed: 1 variant allele, 1 heterozygote. Not counted in ClinVar's aggregate classification.

Literature cited by the submitters: PubMed 24798265 (cited by 5 submitters); PubMed 33389473 (cited by Natera, Inc. and Labcorp Genetics (formerly Invitae), Labcorp); PubMed 11735025 (cited by Labcorp Genetics (formerly Invitae), Labcorp and Eurofins Ntd Llc (ga)); PubMed 16438163 (cited by Labcorp Genetics (formerly Invitae), Labcorp); PubMed 21480867 (cited by Labcorp Genetics (formerly Invitae), Labcorp); PubMed 26825088 (cited by Labcorp Genetics (formerly Invitae), Labcorp); PubMed 27146977 (cited by Labcorp Genetics (formerly Invitae), Labcorp); PubMed 24480078 (cited by Broad Center for Mendelian Genomics, Broad Institute of MIT and Harvard).

NM_000203.5(IDUA):c.1898C>G (p.Ser633Trp)

Gene: IDUA (alpha-L-iduronidase; plus strand). Cytogenetic location: 4p16.3.
Variant type: single nucleotide variant.
Coding change: c.1898C>G on transcript NM_000203.5 (MANE Select); coding-DNA position 1898, C replaced by G.
Protein change: p.Ser633Trp; replaces serine 633 with tryptophan.
Molecular consequence: missense variant. On other transcripts: non-coding transcript variant (1).
Genome position (GRCh38, 1-based): chr4:1,004,329, C>G. VCF-style: chr4-1004329-C-G. GRCh37 (hg19) VCF-style: chr4-998117-C-G.
Other names: c.1898C>G (NM_000203.4); c.1502C>G, p.Ser501Trp (NM_001363576.1); short protein forms S633W, S501W.
Identifiers: ClinVar variation 286242 (VCV000286242.23), dbSNP rs886043347, ClinGen allele CA10605410.
Genomic context (GRCh38, chr4:1,004,329, plus strand): 5'-CTGTCTCTGGCTCCTACCGAGTTCGAGCCCTGGACTACTGGGCCCGACCAGGCCCCTTCT[C>G]GGACCCTGTGCCGTACCTGGAGGTCCCTGTGCCAAGAGGGCCCCCATCCCCGGGCAATCC-3'
Protein context (NP_000194.2, residues 623-643): LDYWARPGPF[Ser633Trp]DPVPYLEVPV